The following is an entry in ClinVar:

NM_020791.4(TAOK1):c.1000-7C>T

Gene: TAOK1 (TAO kinase 1; plus strand). Cytogenetic location: 17q11.2.
Variant type: single nucleotide variant.
Coding change: c.1000-7C>T on transcript NM_020791.4 (MANE Select); 7 bases into the intron before coding-DNA position 1000, C replaced by T.
Molecular consequence: intron variant.
Genome position (GRCh38, 1-based): chr17:29,498,311, C>T. VCF-style: chr17-29498311-C-T. GRCh37 (hg19) VCF-style: chr17-27825329-C-T.
Other names: c.1000-7C>T (NM_025142.1).
Identifiers: ClinVar variation 717510 (VCV000717510.6), dbSNP rs116616401, ClinGen allele CA8474592.

ClinVar aggregate classification (germline): Benign. Review status: criteria provided, single submitter (1 of 4 stars). 2 submissions from 2 submitters: Benign (1). 1 of the submissions does not count toward it. Last evaluated 2019-12-31.

Conditions:
TAOK1-related disorder. Also called: TAOK1-related condition.

Allele frequency attached by ClinVar (database versions not stated): gnomAD exomes 0.00139; ExAC 0.00176; gnomAD 0.00506 and 0.00521; TOPMed 0.00546; ESP Exome Variant Server 0.00654; 1000 Genomes Project 0.00899; 1000 Genomes Project 30x 0.00953.
gnomAD v4.1: 1,446 of 1,614,054 alleles (0.09%); highest among the groups gnomAD compares: African/African-American, 1.8%; 20 homozygotes.

Submissions (2):

Labcorp Genetics (formerly Invitae), Labcorp
Classification: Benign. Last evaluated: 2019-12-31. Review status: criteria provided, single submitter. Criteria: Invitae Variant Classification Sherloc (09022015). Collection method: clinical testing. Allele origin: germline.

PreventionGenetics, part of Exact Sciences
Classification: Benign for TAOK1-related condition. Last evaluated: 2019-11-13. Review status: no assertion criteria provided. Collection method: clinical testing. Allele origin: germline. Not counted in ClinVar's aggregate classification.
Comment: This variant is classified as benign based on ACMG/AMP sequence variant interpretation guidelines (Richards et al. 2015 PMID: 25741868, with internal and published modifications).